The following is an entry in ClinVar:

ClinVar aggregate classification (germline): Benign. Review status: criteria provided, multiple submitters, no conflicts (2 of 4 stars). 2 submissions from 2 submitters: Benign (2). Last evaluated 2018-06-13.

Allele frequency attached by ClinVar (database versions not stated): gnomAD exomes 0.01621 and 0.02268; ExAC 0.02388; ESP Exome Variant Server 0.03914; TOPMed 0.04387; gnomAD 0.04491 and 0.04575; 1000 Genomes Project 0.05072; 1000 Genomes Project 30x 0.05450.
gnomAD v4.1: 30,269 of 1,598,458 alleles (1.9%); highest among the groups gnomAD compares: African/African-American, 10%; 640 homozygotes.

Submissions (2):

GeneDx
Classification: Benign. Last evaluated: 2018-06-13. Review status: criteria provided, single submitter. Criteria: GeneDx Variant Classification (06012015). Collection method: clinical testing. Allele origin: germline. Affected: yes.
Comment: This variant is considered likely benign or benign based on one or more of the following criteria: it is a conservative change, it occurs at a poorly conserved position in the protein, it is predicted to be benign by multiple in silico algorithms, and/or has population frequency not consistent with disease.

Breakthrough Genomics
Classification: Benign. Review status: criteria provided, single submitter. Criteria: ACMG Guidelines, 2015. Collection method: not provided. Allele origin: germline. Inheritance: Autosomal dominant inheritance. Affected: yes.

NM_001614.5(ACTG1):c.985-32T>C

Gene: ACTG1 (actin gamma 1; minus strand). Cytogenetic location: 17q25.3.
Variant type: single nucleotide variant.
Coding change: c.985-32T>C on transcript NM_001614.5 (MANE Select); 32 bases into the intron before coding-DNA position 985, T replaced by C.
Molecular consequence: intron variant.
Genome position (GRCh38, 1-based): chr17:81,510,865, A>G on the plus strand (T>C on the coding strand, the complement: ACTG1 is on the minus strand). VCF-style: chr17-81510865-A-G. GRCh37 (hg19) VCF-style: chr17-79477891-A-G.
Other names: c.985-32T>C (NM_001199954.3).
Identifiers: ClinVar variation 561417 (VCV000561417.2), dbSNP rs76770927, ClinGen allele CA8835855.